The following is an entry in ClinVar:

NM_005188.4(CBL):c.1710C>A (p.Gly570=)

Gene: CBL (Cbl proto-oncogene; plus strand). Cytogenetic location: 11q23.3.
Variant type: single nucleotide variant.
Coding change: c.1710C>A on transcript NM_005188.4 (MANE Select); coding-DNA position 1710, C replaced by A.
Protein change: p.Gly570=; no amino-acid change (glycine 570 retained).
Molecular consequence: synonymous variant.
Genome position (GRCh38, 1-based): chr11:119,285,335, C>A. VCF-style: chr11-119285335-C-A. GRCh37 (hg19) VCF-style: chr11-119156045-C-A.
Other names: c.1710C>A (NM_005188.2).
Identifiers: ClinVar variation 3051219 (VCV003051219.3), dbSNP rs751529479, ClinGen allele CA477375171.

ClinVar aggregate classification (germline): Likely benign. Review status: criteria provided, single submitter (1 of 4 stars). 2 submissions from 2 submitters: Likely benign (1). 1 of the submissions does not count toward it. Last evaluated 2025-10-19.

Conditions:
CBL-related disorder. Also called: CBL MUTATION-ASSOCIATED SYNDROME; CBL SYNDROME; NOONAN SYNDROME-LIKE DISORDER WITHOUT JUVENILE MYELOMONOCYTIC LEUKEMIA. Identifiers: Orphanet 363972, MedGen C3150803, MONDO:0013308, OMIM 613563.
Cardiovascular phenotype. Identifiers: MedGen CN230736.

gnomAD v4.1: 1 of 1,614,142 alleles (0.000062%); no homozygotes.

Submissions (2):

Ambry Genetics
Classification: Likely benign for Cardiovascular phenotype. Last evaluated: 2025-10-19. Review status: criteria provided, single submitter. Criteria: Ambry Variant Classification Scheme 2023. Collection method: clinical testing. Allele origin: germline.

PreventionGenetics, part of Exact Sciences
Classification: Likely benign for CBL-related condition. Last evaluated: 2023-03-31. Review status: no assertion criteria provided. Collection method: clinical testing. Allele origin: germline. Not counted in ClinVar's aggregate classification.
Comment: This variant is classified as likely benign based on ACMG/AMP sequence variant interpretation guidelines (Richards et al. 2015 PMID: 25741868, with internal and published modifications).